The following is an entry in ClinVar:

ClinVar aggregate classification (germline): Likely benign. Review status: criteria provided, multiple submitters, no conflicts (2 of 4 stars). 3 submissions from 3 submitters: Likely benign (3). Last evaluated 2026-08-01.

Conditions:
Hereditary cancer-predisposing syndrome. Also called: Neoplastic Syndromes, Hereditary; Hereditary neoplastic syndrome; Tumor predisposition; Hereditary Cancer Syndrome. Identifiers: Orphanet 140162, MedGen C0027672, MeSH D009386, MONDO:0015356.
Familial adenomatous polyposis 2. Also called: MUTYH-related attenuated familial adenomatous polyposis; Adenomas, multiple colorectal; COLORECTAL ADENOMATOUS POLYPOSIS, AUTOSOMAL RECESSIVE; MUTYH Polyposis; ADENOMAS, MULTIPLE COLORECTAL, AUTOSOMAL RECESSIVE; MYH-associated polyposis. Identifiers: Orphanet 220460, Orphanet 247798, MedGen C3272841, MONDO:0012041, OMIM 608456.

Allele frequency attached by ClinVar (database versions not stated): 1000 Genomes Project 0.00120; 1000 Genomes Project 30x 0.00156; ESP Exome Variant Server 0.00219; gnomAD 0.00263 and 0.00274; TOPMed 0.00311.
gnomAD v4.1: 6,108 of 1,614,104 alleles (0.38%); highest among the groups gnomAD compares: Admixed American, 0.5%; 23 homozygotes.

Submissions (3):

CeGaT Center for Human Genetics Tuebingen
Classification: Likely benign. Last evaluated: 2026-08-01. Review status: criteria provided, single submitter. Criteria: CeGaT Center For Human Genetics Tuebingen Variant Classification Criteria Version 2. Collection method: clinical testing. Allele origin: germline. Affected: yes. Observed: 19 variant alleles.
Comment: MUTYH: BS2

Labcorp Genetics (formerly Invitae), Labcorp
Classification: Likely benign for Familial adenomatous polyposis 2. Last evaluated: 2026-01-26. Review status: criteria provided, single submitter. Criteria: Invitae Variant Classification Sherloc (09022015). Collection method: clinical testing. Allele origin: germline.

Sema4
Classification: Likely benign for Hereditary cancer-predisposing syndrome. Last evaluated: 2021-02-18. Review status: criteria provided, single submitter. Criteria: Sema4 Curation Guidelines. Collection method: curation. Allele origin: germline.

NM_001048174.2(MUTYH):c.304+56G>A

Gene: MUTYH (mutY DNA glycosylase; minus strand). Cytogenetic location: 1p34.1.
Variant type: single nucleotide variant.
Coding change: c.304+56G>A on transcript NM_001048174.2 (MANE Select); 56 bases into the intron after coding-DNA position 304, G replaced by A.
Molecular consequence: intron variant.
Genome position (GRCh38, 1-based): chr1:45,333,229, C>T on the plus strand (G>A on the coding strand, the complement: MUTYH is on the minus strand). VCF-style: chr1-45333229-C-T. GRCh37 (hg19) VCF-style: chr1-45798901-C-T.
Other names: c.33+56G>A (NM_001350651.2, NM_001350650.2); c.28+56G>A (NM_001293192.2, NM_001293196.2); c.304+56G>A (NM_001048171.2, NM_001048173.2, NM_001293195.2); c.349+56G>A (NM_001293190.2); c.379+56G>A (NM_012222.3); c.388+56G>A (NM_001128425.2); c.307+56G>A (NM_001048172.2); c.337+56G>A (NM_001293191.2).
Identifiers: ClinVar variation 1093658 (VCV001093658.43), dbSNP rs201858839, ClinGen allele CA21839373.
Genomic context (GRCh38, chr1:45,333,229, plus strand): 5'-CACTGGGGGAAAGGGGTTGGCATGAGGACACTGCTGACCTGCCCCTACCTGGCCCACAGC[C>T]CCCAGACCCAAGGGCCTCGAGGCAAAGTGGCCCTGCTCTCAGGAGATGTACTGACCAGCA-3'